The following is an entry in ClinVar:

NM_004006.3(DMD):c.6073G>T (p.Ala2025Ser)

Gene: DMD (dystrophin; minus strand). Cytogenetic location: Xp21.1.
Variant type: single nucleotide variant.
Coding change: c.6073G>T on transcript NM_004006.3 (MANE Select); coding-DNA position 6073, G replaced by T.
Protein change: p.Ala2025Ser; replaces alanine 2025 with serine.
Molecular consequence: missense variant.
Genome position (GRCh38, 1-based): chrX:32,310,126, C>A on the plus strand (G>T on the coding strand, the complement: DMD is on the minus strand). VCF-style: chrX-32310126-C-A. GRCh37 (hg19) VCF-style: chrX-32328243-C-A.
Other names: c.6049G>T, p.Ala2017Ser (NM_000109.4); c.6061G>T, p.Ala2021Ser (NM_004009.3); c.5704G>T, p.Ala1902Ser (NM_004010.3); c.2050G>T, p.Ala684Ser (NM_004011.4); c.2041G>T, p.Ala681Ser (NM_004012.4); short protein forms A1902S, A2017S, A2021S, A2025S, A681S, A684S.
Identifiers: ClinVar variation 4879509 (VCV004879509.1).

ClinVar aggregate classification (germline): Uncertain significance (1 of 4 stars; one submission).

Conditions:
Becker muscular dystrophy (BMD). Also called: MUSCULAR DYSTROPHY, PSEUDOHYPERTROPHIC PROGRESSIVE, BECKER TYPE; Becker Muscular Dystrophy (BMD). Identifiers: Orphanet 98895, MedGen C0917713, MONDO:0010311, OMIM 300376.
Duchenne muscular dystrophy (DMD). Also called: Duchenne Muscular Dystrophy (DMD); MUSCULAR DYSTROPHY, PSEUDOHYPERTROPHIC PROGRESSIVE, DUCHENNE TYPE. Identifiers: Orphanet 98896, MedGen C0013264, MONDO:0010679, OMIM 310200.

Submission:

Clinical Genomics Laboratory, Washington University in St. Louis
Classification: Uncertain significance for Becker muscular dystrophy; Duchenne muscular dystrophy. Last evaluated: 2026-04-05. Review status: criteria provided, single submitter. Criteria: ACMG Guidelines, 2015. Collection method: clinical testing. Allele origin: germline.
Comment: The DMD c.6073G>T (p.Ala2025Ser) variant, to our knowledge, has not been reported in the medical literature. This variant is absent from the general population (gnomAD v.4.1.0), indicating it is not a common variant. Computational predictors suggest that the variant does not impact DMD function. Due to limited information, and based on ACMG/AMP guidelines for variant interpretation (Richards S et al., PMID: 25741868), the clinical significance of this variant is uncertain at this time.